The following is an entry in ClinVar:

NM_000321.3(RB1):c.2644T>G (p.Ser882Ala)

Gene: RB1 (RB transcriptional corepressor 1; plus strand). Cytogenetic location: 13q14.2.
Variant type: single nucleotide variant.
Coding change: c.2644T>G on transcript NM_000321.3 (MANE Select); coding-DNA position 2644, T replaced by G.
Protein change: p.Ser882Ala; replaces serine 882 with alanine.
Molecular consequence: missense variant.
Genome position (GRCh38, 1-based): chr13:48,476,824, T>G. VCF-style: chr13-48476824-T-G. GRCh37 (hg19) VCF-style: chr13-49050960-T-G.
Other names: c.2644T>G, p.Ser882Ala (NM_001407165.1); c.94T>G, p.Ser32Ala (NM_001407168.1); short protein forms S32A, S882A.
Identifiers: ClinVar variation 2761263 (VCV002761263.3), dbSNP rs2542384551, ClinGen allele CA388157592.

ClinVar aggregate classification (germline): Uncertain significance (1 of 4 stars; one submission).

Conditions:
Retinoblastoma (RB1). Also called: RETINOBLASTOMA, SOMATIC. Identifiers: Orphanet 790, MedGen C0035335, MeSH D012175, MONDO:0008380, OMIM 180200, HP:0009919. Disease mechanism: loss of function. Inheritance: Both sporadic and heritable forms are tested..

Submission:

Labcorp Genetics (formerly Invitae), Labcorp
Classification: Uncertain significance for Retinoblastoma. Last evaluated: 2023-09-17. Review status: criteria provided, single submitter. Criteria: Invitae Variant Classification Sherloc (09022015). Collection method: clinical testing. Allele origin: germline.
Comment: This variant has not been reported in the literature in individuals affected with RB1-related conditions. Algorithms developed to predict the effect of missense changes on protein structure and function output the following: SIFT: "Not Available"; PolyPhen-2: "Benign"; Align-GVGD: "Not Available". The alanine amino acid residue is found in multiple mammalian species, which suggests that this missense change does not adversely affect protein function. In summary, the available evidence is currently insufficient to determine the role of this variant in disease. Therefore, it has been classified as a Variant of Uncertain Significance. This variant is not present in population databases (gnomAD no frequency). This sequence change replaces serine, which is neutral and polar, with alanine, which is neutral and non-polar, at codon 882 of the RB1 protein (p.Ser882Ala).